The following is an entry in ClinVar:

ClinVar aggregate classification (germline): Benign/Likely benign. Review status: criteria provided, multiple submitters, no conflicts (2 of 4 stars). 3 submissions from 3 submitters: Benign (1); Likely benign (2). Last evaluated 2025-05-30.

Conditions:
Tuberous sclerosis 2 (TSC2). Identifiers: Orphanet 805, MedGen C1860707, MONDO:0013199, OMIM 613254.
Hereditary cancer-predisposing syndrome. Also called: Tumor predisposition; Hereditary Cancer Syndrome; Neoplastic Syndromes, Hereditary; Hereditary neoplastic syndrome. Identifiers: Orphanet 140162, MedGen C0027672, MeSH D009386, MONDO:0015356.

Submissions (3):

Myriad Genetics, Inc.
Classification: Benign for Tuberous sclerosis 2. Last evaluated: 2025-05-30. Review status: criteria provided, single submitter. Criteria: Myriad Autosomal Dominant, Autosomal Recessive and X-Linked Classification Criteria (2023). Collection method: clinical testing. Allele origin: unknown.
Comment: This variant is considered benign. This variant is a silent/synonymous amino acid change and it is not expected to impact splicing.

Ambry Genetics
Classification: Likely benign for Hereditary cancer-predisposing syndrome. Last evaluated: 2024-02-24. Review status: criteria provided, single submitter. Criteria: Ambry Variant Classification Scheme 2023. Collection method: clinical testing. Allele origin: germline.

Labcorp Genetics (formerly Invitae), Labcorp
Classification: Likely benign for Tuberous sclerosis 2. Last evaluated: 2018-01-16. Review status: criteria provided, single submitter. Criteria: Invitae Variant Classification Sherloc (09022015). Collection method: clinical testing. Allele origin: germline.

NM_000548.5(TSC2):c.3837C>T (p.Tyr1279=)

Gene: TSC2 (TSC complex subunit 2; plus strand). Cytogenetic location: 16p13.3.
Variant type: single nucleotide variant.
Coding change: c.3837C>T on transcript NM_000548.5 (MANE Select); coding-DNA position 3837, C replaced by T.
Protein change: p.Tyr1279=; no amino-acid change (tyrosine 1279 retained).
Molecular consequence: synonymous variant. On other transcripts: intron variant (6).
Genome position (GRCh38, 1-based): chr16:2,082,458, C>T. VCF-style: chr16-2082458-C-T. GRCh37 (hg19) VCF-style: chr16-2132459-C-T.
Other names: c.3105C>T, p.Tyr1035= (NM_001318831.2); c.3705C>T, p.Tyr1235= (NM_001370404.1); c.3708C>T, p.Tyr1236= (NM_001370405.1, NM_021055.3); c.3814+660C>T (NM_001114382.3); c.3685+660C>T (NM_001363528.2); c.3682+660C>T (NM_001077183.3); c.3574+660C>T (NM_001318827.2); c.3538+660C>T (NM_001318829.2); and 1 more.
Identifiers: ClinVar variation 743610 (VCV000743610.11), dbSNP rs1555512861, ClinGen allele CA492955741.